The following is an entry in ClinVar:

NM_032603.5(LOXL3):c.1102G>A (p.Ala368Thr)

Gene: LOXL3 (lysyl oxidase like 3; minus strand). Cytogenetic location: 2p13.1.
Variant type: single nucleotide variant.
Coding change: c.1102G>A on transcript NM_032603.5 (MANE Select); coding-DNA position 1102, G replaced by A.
Protein change: p.Ala368Thr; replaces alanine 368 with threonine.
Molecular consequence: missense variant.
Genome position (GRCh38, 1-based): chr2:74,536,142, C>T on the plus strand (G>A on the coding strand, the complement: LOXL3 is on the minus strand). VCF-style: chr2-74536142-C-T. GRCh37 (hg19) VCF-style: chr2-74763269-C-T.
Other names: c.667G>A, p.Ala223Thr (NM_001289164.3); c.19G>A, p.Ala7Thr (NM_001289165.2); short protein forms A368T, A223T, A7T.
Identifiers: ClinVar variation 1499241 (VCV001499241.8), dbSNP rs1676007261, ClinGen allele CA347388888.

ClinVar aggregate classification (germline): Uncertain significance (1 of 4 stars; one submission).

Allele frequency attached by ClinVar (database versions not stated): TOPMed below 0.00001; gnomAD 0.00001.
gnomAD v4.1: 1 of 1,613,556 alleles (0.000062%); highest among the groups gnomAD compares: Non-Finnish European, 0.000085%; no homozygotes.

Submission:

Labcorp Genetics (formerly Invitae), Labcorp
Classification: Uncertain significance. Last evaluated: 2021-06-16. Review status: criteria provided, single submitter. Criteria: Invitae Variant Classification Sherloc (09022015). Collection method: clinical testing. Allele origin: germline.
Comment: This variant is not present in population databases (ExAC no frequency). This variant has not been reported in the literature in individuals with LOXL3-related conditions. This sequence change replaces alanine with threonine at codon 368 of the LOXL3 protein (p.Ala368Thr). The alanine residue is moderately conserved and there is a small physicochemical difference between alanine and threonine. Algorithms developed to predict the effect of missense changes on protein structure and function (SIFT, PolyPhen-2, Align-GVGD) all suggest that this variant is likely to be tolerated, but these predictions have not been confirmed by published functional studies and their clinical significance is uncertain. In summary, the available evidence is currently insufficient to determine the role of this variant in disease. Therefore, it has been classified as a Variant of Uncertain Significance.